The following is an entry in ClinVar:

ClinVar aggregate classification (germline): Conflicting classifications of pathogenicity. Review status: criteria provided, conflicting classifications (1 of 4 stars). 4 submissions from 4 submitters: Uncertain significance (1); Likely benign (2). 1 of the submissions does not count toward it. Last evaluated 2026-01-16.

Conditions:
Cardiovascular phenotype. Identifiers: MedGen CN230736.
ABCG8-related disorder. Also called: ABCG8-related condition.

Allele frequency attached by ClinVar (database versions not stated): gnomAD 0.00007; ESP Exome Variant Server 0.00008; TOPMed 0.00010; 1000 Genomes Project 0.00040; 1000 Genomes Project 30x 0.00047.
gnomAD v4.1: 124 of 1,614,234 alleles (0.0077%); highest among the groups gnomAD compares: Admixed American, 0.047%; no homozygotes.

Submissions (4):

Labcorp Genetics (formerly Invitae), Labcorp
Classification: Likely benign. Last evaluated: 2026-01-16. Review status: criteria provided, single submitter. Criteria: Invitae Variant Classification Sherloc (09022015). Collection method: clinical testing. Allele origin: germline.

Ambry Genetics
Classification: Likely benign for Cardiovascular phenotype. Last evaluated: 2019-08-02. Review status: criteria provided, single submitter. Criteria: Ambry Variant Classification Scheme 2023. Collection method: clinical testing. Allele origin: germline.

Eurofins Ntd Llc (ga)
Classification: Uncertain significance. Last evaluated: 2018-08-27. Review status: criteria provided, single submitter. Criteria: EGL ClinVar v180209 classification definitions. Collection method: clinical testing. Allele origin: germline. Observed: 2 variant alleles, 2 heterozygotes.

PreventionGenetics, part of Exact Sciences
Classification: Likely benign for ABCG8-related condition. Last evaluated: 2022-09-14. Review status: no assertion criteria provided. Collection method: clinical testing. Allele origin: germline. Not counted in ClinVar's aggregate classification.
Comment: This variant is classified as likely benign based on ACMG/AMP sequence variant interpretation guidelines (Richards et al. 2015 PMID: 25741868, with internal and published modifications).

NM_022437.3(ABCG8):c.450C>T (p.His150=)

Gene: ABCG8 (ATP binding cassette subfamily G member 8; plus strand). Cytogenetic location: 2p21.
Variant type: single nucleotide variant.
Coding change: c.450C>T on transcript NM_022437.3 (MANE Select); coding-DNA position 450, C replaced by T.
Protein change: p.His150=; no amino-acid change (histidine 150 retained).
Molecular consequence: synonymous variant.
Genome position (GRCh38, 1-based): chr2:43,851,711, C>T. VCF-style: chr2-43851711-C-T. GRCh37 (hg19) VCF-style: chr2-44078850-C-T.
Other names: c.450C>T, p.His150= (NM_001357321.2).
Identifiers: ClinVar variation 500965 (VCV000500965.13), dbSNP rs200013237, ClinGen allele CA1637020.